The following is an entry in ClinVar:

NM_000419.5(ITGA2B):c.1912G>A (p.Val638Ile)

Gene: ITGA2B (integrin subunit alpha 2b; minus strand). Cytogenetic location: 17q21.31.
Variant type: single nucleotide variant.
Coding change: c.1912G>A on transcript NM_000419.5 (MANE Select); coding-DNA position 1912, G replaced by A.
Protein change: p.Val638Ile; replaces valine 638 with isoleucine.
Molecular consequence: missense variant.
Genome position (GRCh38, 1-based): chr17:44,378,677, C>T on the plus strand (G>A on the coding strand, the complement: ITGA2B is on the minus strand). VCF-style: chr17-44378677-C-T. GRCh37 (hg19) VCF-style: chr17-42456045-C-T.
Other names: short protein forms V638I.
Identifiers: ClinVar variation 2883907 (VCV002883907.4), dbSNP rs111657038, ClinGen allele CA8602907.

ClinVar aggregate classification (germline): Uncertain significance. Review status: criteria provided, multiple submitters, no conflicts (2 of 4 stars). 2 submissions from 2 submitters: Uncertain significance (2). Last evaluated 2025-12-15.

Conditions:
Inborn genetic diseases. Identifiers: MedGen C0950123, MeSH D030342.
Glanzmann thrombasthenia. Also called: BLEEDING DISORDER, PLATELET-TYPE, 2; THROMBASTHENIA OF GLANZMANN AND NAEGELI; PLATELET GLYCOPROTEIN IIb-IIIa DEFICIENCY; Thrombasthenia; Glanzmann's thrombasthenia. Identifiers: Orphanet 849, MedGen C0040015, MONDO:0100326.

Allele frequency attached by ClinVar (database versions not stated): gnomAD 0.00001; gnomAD exomes 0.00001; TOPMed 0.00002; ExAC 0.00008.
gnomAD v4.1: 27 of 1,560,560 alleles (0.0017%); highest among the groups gnomAD compares: African/African-American, 0.014%; 1 homozygote.

Submissions (2):

Labcorp Genetics (formerly Invitae), Labcorp
Classification: Uncertain significance for Glanzmann thrombasthenia. Last evaluated: 2025-12-15. Review status: criteria provided, single submitter. Criteria: Invitae Variant Classification Sherloc (09022015). Collection method: clinical testing. Allele origin: germline.
Comment: This sequence change replaces valine, which is neutral and non-polar, with isoleucine, which is neutral and non-polar, at codon 638 of the ITGA2B protein (p.Val638Ile). The frequency data for this variant in the population databases is considered unreliable, as metrics indicate poor data quality at this position in the gnomAD database. This variant has not been reported in the literature in individuals affected with ITGA2B-related conditions. ClinVar contains an entry for this variant (Variation ID: 2883907). Invitae Evidence Modeling of protein sequence and biophysical properties (such as structural, functional, and spatial information, amino acid conservation, physicochemical variation, residue mobility, and thermodynamic stability) has been performed for this missense variant. However, the output from this modeling did not meet the statistical confidence thresholds required to predict the impact of this variant on ITGA2B protein function. In summary, the available evidence is currently insufficient to determine the role of this variant in disease. Therefore, it has been classified as a Variant of Uncertain Significance.

Ambry Genetics
Classification: Uncertain significance for Inborn genetic diseases. Last evaluated: 2025-07-31. Review status: criteria provided, single submitter. Criteria: Ambry Variant Classification Scheme 2023. Collection method: clinical testing. Allele origin: germline.